The following is an entry in ClinVar:

NM_003074.4(SMARCC1):c.2922dup (p.Gly975fs)

Gene: SMARCC1 (SWI/SNF related BAF chromatin remodeling complex subunit C1; minus strand). Cytogenetic location: 3p21.31.
Variant type: Duplication.
Coding change: c.2922dup on transcript NM_003074.4 (MANE Select); coding-DNA position 2922, one base duplicated (A; older notation c.2922dupA).
Protein change: p.Gly975fs; shifts the reading frame from glycine 975.
Molecular consequence: frameshift variant.
Genome position (GRCh38, 1-based): chr3:47,610,187, T duplicated on the plus strand (A on the coding strand, the reverse complement: SMARCC1 is on the minus strand). VCF-style (leftmost placement, unchanged base first): chr3-47610186-C-CT. GRCh37 (hg19) VCF-style: chr3-47651676-C-CT.
Other names: short protein forms G975fs.
Identifiers: ClinVar variation 2637271 (VCV002637271.1), dbSNP rs2546682166, ClinGen allele CA2695197895.

ClinVar aggregate classification (germline): Uncertain significance (1 of 4 stars; one submission).

Conditions:
SMARCC1-related disorder. Also called: SMARCC1-related condition.

Submission:

PreventionGenetics, part of Exact Sciences
Classification: Uncertain significance for SMARCC1-related condition. Last evaluated: 2022-09-08. Review status: criteria provided, single submitter. Criteria: ACMG Guidelines, 2015. Collection method: clinical testing. Allele origin: germline.
Comment: The SMARCC1 c.2922dupA variant is predicted to result in a frameshift and premature protein termination (p.Gly975Argfs*97). To our knowledge, this variant has not been reported in the literature or in a large population database, indicating this variant is rare. This gene is intolerant to loss of function changes on the whole; however only a small number of early termination variants have been reported as causative. Although we suspect that this variant may be pathogenic, at this time, the clinical significance of this variant is uncertain due to the absence of conclusive functional and genetic evidence.